The following is an entry in ClinVar:

ClinVar aggregate classification (germline): Benign/Likely benign. Review status: criteria provided, multiple submitters, no conflicts (2 of 4 stars). 4 submissions from 4 submitters: Benign (2); Likely benign (2). Last evaluated 2025-12-09.

Conditions:
Hereditary sensory and autonomic neuropathy type 7. Also called: Neuropathy, hereditary sensory and autonomic, type VII; HSAN VII. Identifiers: Orphanet 391397, MedGen C3809882, MONDO:0014244, OMIM 615548.
Familial episodic pain syndrome with predominantly lower limb involvement. Also called: Episodic pain syndrome, familial, 3. Identifiers: Orphanet 391384, Orphanet 391392, MedGen C3809899, MONDO:0014247, OMIM 615552.
SCN11A-related disorder. Also called: SCN11A-related condition.
Inborn genetic diseases. Identifiers: MedGen C0950123, MeSH D030342.

Allele frequency attached by ClinVar (database versions not stated): gnomAD 0.00008 and 0.00013; gnomAD exomes 0.00015 and 0.00039; TOPMed 0.00019; ExAC 0.00041; 1000 Genomes Project 30x 0.00062; 1000 Genomes Project 0.00080.
gnomAD v4.1: 241 of 1,585,972 alleles (0.015%); highest among the groups gnomAD compares: East Asian, 0.35%; no homozygotes.

Submissions (4):

PreventionGenetics, part of Exact Sciences
Classification: Likely benign for SCN11A-related condition. Last evaluated: 2025-12-09. Review status: criteria provided, single submitter. Criteria: ACMG Guidelines, 2015. Collection method: clinical testing. Allele origin: germline.
Comment: This variant is classified as likely benign based on ACMG/AMP sequence variant interpretation guidelines (Richards et al. 2015 PMID: 25741868, with internal and published modifications).

Labcorp Genetics (formerly Invitae), Labcorp
Classification: Benign for Familial episodic pain syndrome with predominantly lower limb involvement; Hereditary sensory and autonomic neuropathy type 7. Last evaluated: 2025-10-02. Review status: criteria provided, single submitter. Criteria: Invitae Variant Classification Sherloc (09022015). Collection method: clinical testing. Allele origin: germline.

CeGaT Center for Human Genetics Tuebingen
Classification: Benign. Last evaluated: 2022-09-01. Review status: criteria provided, single submitter. Criteria: CeGaT Center For Human Genetics Tuebingen Variant Classification Criteria Version 2. Collection method: clinical testing. Allele origin: germline. Affected: yes. Observed: 1 variant allele.
Comment: SCN11A: BS1, BS2

Ambry Genetics
Classification: Likely benign for Inborn genetic diseases. Last evaluated: 2019-07-11. Review status: criteria provided, single submitter. Criteria: Ambry Variant Classification Scheme 2023. Collection method: clinical testing. Allele origin: germline.

NM_001349253.2(SCN11A):c.1632C>A (p.Leu544=)

Gene: SCN11A (sodium voltage-gated channel alpha subunit 11; minus strand). Cytogenetic location: 3p22.2.
Variant type: single nucleotide variant.
Coding change: c.1632C>A on transcript NM_001349253.2 (MANE Select); coding-DNA position 1632, C replaced by A.
Protein change: p.Leu544=; no amino-acid change (leucine 544 retained).
Molecular consequence: synonymous variant.
Genome position (GRCh38, 1-based): chr3:38,904,075, G>T on the plus strand (C>A on the coding strand, the complement: SCN11A is on the minus strand). VCF-style: chr3-38904075-G-T. GRCh37 (hg19) VCF-style: chr3-38945566-G-T.
Other names: c.1632C>A, p.Leu544= (NM_014139.3).
Identifiers: ClinVar variation 541589 (VCV000541589.37), dbSNP rs149552611, ClinGen allele CA2322249.